The following is an entry in ClinVar:

ClinVar aggregate classification (germline): Pathogenic (1 of 4 stars; one submission).

Submission:

Quest Diagnostics Nichols Institute San Juan Capistrano
Classification: Pathogenic. Last evaluated: 2025-05-02. Review status: criteria provided, single submitter. Criteria: ACMG/ClinGen CNV Guidelines, 2019. Collection method: clinical testing. Allele origin: unknown.
Comment: This 16q24.2q24.3 deletion involves at least 27 protein-coding genes, including ANKRD11 (OMIM 611192). Haploinsufficiency of ANKRD11 is associated with autosomal dominant KBG syndrome (KBGS; CCID:006665; OMIM 148050; Morel Swols 2018). Similar and smaller deletions involving this interval have been reported in individuals with similar features to KBG syndrome (Handrigan 2013, Miyatake 2013, Novara 2017, Willemsen 2009). ANKRD11, CHD15, ZNF778, and ZFPM1 have been proposed as critical genes for the phenotypes associated with 16q24.3 microdeletions (Novara 2017, Willemsen 2010). There are no similar copy number losses spanning this region in the general populations of the Database of Genomic Variants. Thus, this copy number variant (CNV) is classified as pathogenic. References: Handrigan et al., J Med Genet. 2013 Mar;50(3):163-73. PMID: 23335808 Miyatake et al., Am J Med Genet A. 2013 May;161A(5):1073-7. PMID: 23463723 Morel Swols et al., GeneReviews [2018 Mar 22]. PMID: 29565525 Novara et al., Eur J Hum Genet. 2017 Jun;25(6):694-701. PMID: 28422132 Willemsen et al., Eur J Hum Genet. 2010 Apr;18(4):429-35. PMID: 19920853

GRCh37/hg19 16q24.2-24.3(chr16:87640702-89570635)x1

Genes: ACSF3 (acyl-CoA synthetase family member 3; plus strand), ANKRD11 (ankyrin repeat domain 11; minus strand), APRT (adenine phosphoribosyltransferase; minus strand), BANP (BTG3 associated nuclear protein; plus strand), CA5A (carbonic anhydrase 5A; minus strand) and 22 more. Cytogenetic location: 16q24.2-24.3.
Variant type: copy number loss.
Change: copy number 1 (one copy instead of two) of chr16:87,640,702-89,570,635 (1.93 Mb, GRCh37 coordinates, 1-based), cytogenetic band 16q24.2-24.3.
Identifiers: ClinVar variation 4682890 (VCV004682890.1).